The following is an entry in ClinVar:

ClinVar aggregate classification (germline): Likely benign. Review status: criteria provided, multiple submitters, no conflicts (2 of 4 stars). 2 submissions from 2 submitters: Likely benign (2). Last evaluated 2024-12-09.

Conditions:
Ehlers-Danlos syndrome, classic type, 1 (EDSCL1). Also called: EHLERS-DANLOS SYNDROME, GRAVIS TYPE; EHLERS-DANLOS SYNDROME, SEVERE CLASSIC TYPE; EDS I; Ehlers-Danlos Syndrome, Classic Type, COL5A1-Related; Ehlers-Danlos syndrome, type 1. Identifiers: MedGen C0268335, MONDO:0019567, OMIM 130000.

Allele frequency attached by ClinVar (database versions not stated): gnomAD exomes below 0.00001.
gnomAD v4.1: 1 of 1,612,018 alleles (0.000062%); highest among the groups gnomAD compares: Non-Finnish European, 0.000085%; no homozygotes.

Submissions (2):

Labcorp Genetics (formerly Invitae), Labcorp
Classification: Likely benign for Ehlers-Danlos syndrome, classic type, 1. Last evaluated: 2024-12-09. Review status: criteria provided, single submitter. Criteria: Invitae Variant Classification Sherloc (09022015). Collection method: clinical testing. Allele origin: germline.

GeneDx
Classification: Likely benign. Last evaluated: 2017-06-21. Review status: criteria provided, single submitter. Criteria: GeneDx Variant Classification (06012015). Collection method: clinical testing. Allele origin: germline. Affected: yes.
Comment: This variant is considered likely benign or benign based on one or more of the following criteria: it is a conservative change, it occurs at a poorly conserved position in the protein, it is predicted to be benign by multiple in silico algorithms, and/or has population frequency not consistent with disease.

NM_000393.5(COL5A2):c.853-13G>A

Gene: COL5A2 (collagen type V alpha 2 chain; minus strand). Cytogenetic location: 2q32.2.
Variant type: single nucleotide variant.
Coding change: c.853-13G>A on transcript NM_000393.5 (MANE Select); 13 bases into the intron before coding-DNA position 853, G replaced by A.
Molecular consequence: intron variant.
Genome position (GRCh38, 1-based): chr2:189,081,056, C>T on the plus strand (G>A on the coding strand, the complement: COL5A2 is on the minus strand). VCF-style: chr2-189081056-C-T. GRCh37 (hg19) VCF-style: chr2-189945782-C-T.
Identifiers: ClinVar variation 508078 (VCV000508078.4), dbSNP rs1553516867, ClinGen allele CA658796112.